The following is an entry in ClinVar:

NM_001849.4(COL6A2):c.2220T>C (p.Asp740=)

Gene: COL6A2 (collagen type VI alpha 2 chain; plus strand). Cytogenetic location: 21q22.3.
Variant type: single nucleotide variant.
Coding change: c.2220T>C on transcript NM_001849.4 (MANE Select); coding-DNA position 2220, T replaced by C.
Protein change: p.Asp740=; no amino-acid change (aspartic acid 740 retained).
Molecular consequence: synonymous variant.
Genome position (GRCh38, 1-based): chr21:46,126,035, T>C. VCF-style: chr21-46126035-T-C. GRCh37 (hg19) VCF-style: chr21-47545949-T-C.
Other names: c.2220T>C, p.Asp740= (NM_058174.3, NM_058175.3).
Identifiers: ClinVar variation 166933 (VCV000166933.59), dbSNP rs61735830, ClinGen allele CA179915.

ClinVar aggregate classification (germline): Benign/Likely benign. Review status: criteria provided, multiple submitters, no conflicts (2 of 4 stars). 8 submissions from 8 submitters: Benign (2); Likely benign (6). Last evaluated 2026-09-01.

Conditions:
Collagen 6-related myopathy. Identifiers: MedGen CN117976, MONDO:0100225.
Bethlem myopathy 1A. Also called: MYOPATHY, BENIGN CONGENITAL, WITH CONTRACTURES; Bethlem Muscular Dystrophy; Bethlem myopathy 1. Identifiers: Orphanet 610, MedGen CN029274, MONDO:0024530, OMIM 158810.

Allele frequency attached by ClinVar (database versions not stated): 1000 Genomes Project 0.00040; 1000 Genomes Project 30x 0.00062; TOPMed 0.00206; gnomAD 0.00244 and 0.00258; gnomAD exomes 0.00252; ExAC 0.00275; ESP Exome Variant Server 0.00284.
gnomAD v4.1: 4,975 of 1,612,996 alleles (0.31%); highest among the groups gnomAD compares: Non-Finnish European, 0.36%; 10 homozygotes.

Submissions (8):

CeGaT Center for Human Genetics Tuebingen
Classification: Likely benign. Last evaluated: 2026-09-01. Review status: criteria provided, single submitter. Criteria: CeGaT Center For Human Genetics Tuebingen Variant Classification Criteria Version 2. Collection method: clinical testing. Allele origin: germline. Affected: yes. Observed: 14 variant alleles.
Comment: COL6A2: BP4, BP7

Labcorp Genetics (formerly Invitae), Labcorp
Classification: Benign for Bethlem myopathy 1A. Last evaluated: 2026-02-01. Review status: criteria provided, single submitter. Criteria: Invitae Variant Classification Sherloc (09022015). Collection method: clinical testing. Allele origin: germline.

Blueprint Genetics
Classification: Likely benign. Last evaluated: 2024-11-28. Review status: criteria provided, single submitter. Criteria: ACMG Guidelines, 2015. Collection method: clinical testing. Allele origin: germline.

GeneDx
Classification: Likely benign. Last evaluated: 2020-03-10. Review status: criteria provided, single submitter. Criteria: GeneDx Variant Classification Process June 2021. Collection method: clinical testing. Allele origin: germline. Affected: yes.

Illumina Laboratory Services, Illumina
Classification: Benign for Collagen VI-related myopathy. Last evaluated: 2018-01-12. Review status: criteria provided, single submitter. Criteria: ICSL Variant Classification Criteria 13 December 2019. Collection method: clinical testing. Allele origin: germline.
Comment: This variant was observed in the ICSL laboratory as part of a predisposition screen in an ostensibly healthy population. It had not been previously curated by ICSL or reported in the Human Gene Mutation Database (HGMD: prior to June 1st, 2018), and was therefore a candidate for classification through an automated scoring system. Utilizing variant allele frequency, disease prevalence and penetrance estimates, and inheritance mode, an automated score was calculated to assess if this variant is too frequent to cause the disease. Based on the score and internal cut-off values, a variant classified as benign is not then subjected to further curation. The score for this variant resulted in a classification of benign for this disease.

Genetic Services Laboratory, University of Chicago
Classification: Likely benign. Last evaluated: 2016-04-27. Review status: criteria provided, single submitter. Criteria: ACMG Guidelines, 2015. Collection method: clinical testing. Allele origin: germline. Affected: no.

Eurofins Ntd Llc (ga)
Classification: Likely benign. Last evaluated: 2015-02-27. Review status: criteria provided, single submitter. Criteria: EGL Classification Definitions 2015. Collection method: clinical testing. Allele origin: germline. Observed: 2 variant alleles, 2 heterozygotes.

PreventionGenetics, part of Exact Sciences
Classification: Likely benign. Review status: criteria provided, single submitter. Criteria: ACMG Guidelines, 2015. Collection method: clinical testing. Allele origin: germline.